The following is an entry in ClinVar:

ClinVar aggregate classification (germline): Uncertain significance (1 of 4 stars; one submission).

Conditions:
Hereditary cancer-predisposing syndrome. Also called: Neoplastic Syndromes, Hereditary; Hereditary neoplastic syndrome; Tumor predisposition; Hereditary Cancer Syndrome. Identifiers: Orphanet 140162, MedGen C0027672, MeSH D009386, MONDO:0015356.

Submission:

Ambry Genetics
Classification: Uncertain significance for Hereditary cancer-predisposing syndrome. Last evaluated: 2022-12-21. Review status: criteria provided, single submitter. Criteria: Ambry Variant Classification Scheme 2023. Collection method: clinical testing. Allele origin: germline.
Comment: The p.N1489Y variant (also known as c.4465A>T), located in coding exon 30 of the SMARCA4 gene, results from an A to T substitution at nucleotide position 4465. The asparagine at codon 1489 is replaced by tyrosine, an amino acid with dissimilar properties. This amino acid position is not well conserved in available vertebrate species. In addition, this alteration is predicted to be tolerated by in silico analysis. Missense and in-frame variants in SMARCA4 are known to cause neurodevelopmental disorders; however, such associations with rhabdoid tumor predisposition syndrome including small cell carcinoma of the ovary-hypercalcemic type (SCCOHT) are exceedingly rare (Kosho T et al. Am J Med Genet C Semin Med Genet. 2014 Sep;166C(3):262-75; Jelinic P et al. Nat Genet. 2014 May;46(5):424-6). Based on the supporting evidence, the association of this alteration with Coffin-Siris syndrome is unknown; however, the association of this alteration with rhabdoid tumor predisposition syndrome is unlikely.

NM_003072.5(SMARCA4):c.4369A>T (p.Asn1457Tyr)

Gene: SMARCA4 (SWI/SNF related BAF chromatin remodeling complex subunit ATPase 4; plus strand). Cytogenetic location: 19p13.2.
Variant type: single nucleotide variant.
Coding change: c.4369A>T on transcript NM_003072.5 (MANE Select); coding-DNA position 4369, A replaced by T.
Protein change: p.Asn1457Tyr; replaces asparagine 1457 with tyrosine.
Molecular consequence: missense variant. On other transcripts: non-coding transcript variant (1).
Genome position (GRCh38, 1-based): chr19:11,041,505, A>T. VCF-style: chr19-11041505-A-T. GRCh37 (hg19) VCF-style: chr19-11152181-A-T.
Other names: c.4369A>T, p.Asn1457Tyr (NM_001128844.3); c.4279A>T, p.Asn1427Tyr (NM_001128845.2, NM_001128846.2); c.4270A>T, p.Asn1424Tyr (NM_001128847.4, NM_001128848.2, NM_001374457.1); c.4465A>T, p.Asn1489Tyr (NM_001128849.3, NM_001387283.1); c.4366A>T, p.Asn1456Tyr (NM_001411150.1); short protein forms N1424Y, N1427Y, N1489Y, N1456Y, N1457Y.
Identifiers: ClinVar variation 2486821 (VCV002486821.2), dbSNP rs2515495091, ClinGen allele CA404074025.